The following is an entry in ClinVar:

ClinVar aggregate classification (germline): Uncertain significance (1 of 4 stars; one submission).

Submission:

GeneDx
Classification: Uncertain significance. Last evaluated: 2017-03-19. Review status: criteria provided, single submitter. Criteria: GeneDx Variant Classification (06012015). Collection method: clinical testing. Allele origin: germline. Affected: yes.
Comment: The L1314F variant in the PIEZO1 gene has not been reported previously as a pathogenic variant, nor as a benign variant, to our knowledge. The L1314F variant is not observed in large population cohorts (Lek et al., 2016; 1000 Genomes Consortium et al., 2015; Exome Variant Server). The L1314F variant is a conservative amino acid substitution, which is not likely to impact secondary protein structure as these residues share similar properties. This substitution occurs at a position where amino acids with similar properties to Leucine are tolerated across species. In silico analysis predicts this variant is probably damaging to the protein structure/function. We interpret L1314F as a variant of uncertain significance.

NM_001142864.4(PIEZO1):c.3940C>T (p.Leu1314Phe)

Gene: PIEZO1 (piezo type mechanosensitive ion channel component 1; minus strand). Cytogenetic location: 16q24.3.
Variant type: single nucleotide variant.
Coding change: c.3940C>T on transcript NM_001142864.4 (MANE Select); coding-DNA position 3940, C replaced by T.
Protein change: p.Leu1314Phe; replaces leucine 1314 with phenylalanine.
Molecular consequence: missense variant.
Genome position (GRCh38, 1-based): chr16:88,726,312, G>A on the plus strand (C>T on the coding strand, the complement: PIEZO1 is on the minus strand). VCF-style: chr16-88726312-G-A. GRCh37 (hg19) VCF-style: chr16-88792720-G-A.
Other names: c.3940C>T, p.Leu1314Phe (LRG_1137t1); short protein forms L1314F.
Identifiers: ClinVar variation 424327 (VCV000424327.2), dbSNP rs1064796913, ClinGen allele CA16620290.